The following is an entry in ClinVar:

ClinVar aggregate classification (germline): Conflicting classifications of pathogenicity. Review status: criteria provided, conflicting classifications (1 of 4 stars). 2 submissions from 2 submitters: Uncertain significance (1); Likely benign (1). Last evaluated 2023-03-23.

Conditions:
Hereditary cancer-predisposing syndrome. Also called: Neoplastic Syndromes, Hereditary; Tumor predisposition; Hereditary neoplastic syndrome; Hereditary Cancer Syndrome. Identifiers: Orphanet 140162, MedGen C0027672, MeSH D009386, MONDO:0015356.
Hereditary breast ovarian cancer syndrome. Also called: BRCA1- and BRCA2-Associated Hereditary Breast and Ovarian Cancer; Hereditary breast and ovarian cancer; Hereditary breast and ovarian cancer syndrome; Hereditary breast and ovarian cancer syndrome (HBOC); Breast and ovarian cancer; Hereditary breast and/or ovarian cancer syndrome. Identifiers: Orphanet 145, MedGen C0677776, MeSH D061325, MONDO:0003582. Disease mechanism: loss of function.

Submissions (2):

University of Washington Department of Laboratory Medicine, University of Washington
Classification: Likely benign for Hereditary cancer-predisposing syndrome. Last evaluated: 2023-03-23. Review status: criteria provided, single submitter. Criteria: Dines et al. (Genet Med. 2020). Collection method: curation. Allele origin: germline.
Comment: Missense variant in a coldspot region where missense variants are very unlikely to be pathogenic (PMID:31911673).

BRCA2 exon 11 coldspot. Reclassification based on statistical prior probability.

Labcorp Genetics (formerly Invitae), Labcorp
Classification: Uncertain significance for Hereditary breast ovarian cancer syndrome. Last evaluated: 2022-10-24. Review status: criteria provided, single submitter. Criteria: Invitae Variant Classification Sherloc (09022015). Collection method: clinical testing. Allele origin: germline.
Comment: In summary, the available evidence is currently insufficient to determine the role of this variant in disease. Therefore, it has been classified as a Variant of Uncertain Significance. Advanced modeling of protein sequence and biophysical properties (such as structural, functional, and spatial information, amino acid conservation, physicochemical variation, residue mobility, and thermodynamic stability) performed at Invitae indicates that this missense variant is not expected to disrupt BRCA2 protein function. ClinVar contains an entry for this variant (Variation ID: 1352092). This variant has not been reported in the literature in individuals affected with BRCA2-related conditions. This variant is not present in population databases (gnomAD no frequency). This sequence change replaces leucine, which is neutral and non-polar, with phenylalanine, which is neutral and non-polar, at codon 2136 of the BRCA2 protein (p.Leu2136Phe).

NM_000059.4(BRCA2):c.6408A>T (p.Leu2136Phe)

Gene: BRCA2 (BRCA2 DNA repair associated; plus strand). Cytogenetic location: 13q13.1.
Variant type: single nucleotide variant.
Coding change: c.6408A>T on transcript NM_000059.4 (MANE Select); coding-DNA position 6408, A replaced by T.
Protein change: p.Leu2136Phe; replaces leucine 2136 with phenylalanine.
Molecular consequence: missense variant.
Genome position (GRCh38, 1-based): chr13:32,340,763, A>T. VCF-style: chr13-32340763-A-T. GRCh37 (hg19) VCF-style: chr13-32914900-A-T.
Other names: short protein forms L2136F.
Identifiers: ClinVar variation 1352092 (VCV001352092.7), dbSNP rs2137527249, ClinGen allele CA387789254.